The following is an entry in ClinVar:

ClinVar aggregate classification (germline): Pathogenic. Review status: criteria provided, multiple submitters, no conflicts (2 of 4 stars). 15 submissions from 15 submitters: Pathogenic (13). 2 of the submissions do not count toward it. Last evaluated 2026-09-02.

Conditions:
PDHA1-related disorder. Also called: PDHA1-related condition.
Fetal anomalies with a likely genetic cause.
Pyruvate dehydrogenase E1-alpha deficiency (PDHAD). Also called: ATAXIA, INTERMITTENT, WITH PYRUVATE DEHYDROGENASE DEFICIENCY; ATAXIA WITH LACTIC ACIDOSIS I; ATAXIA, INTERMITTENT, WITH ABNORMAL PYRUVATE METABOLISM; Ataxia, intermittent, with pyruvate dehydrogenase, or decarboxylase, deficiency. Identifiers: Orphanet 79243, MedGen C1839413, MONDO:0010717, OMIM 312170.

Submissions 1 to 12 of 15:

Genetics Laboratory, Great Ormond Street Hospital NHS Foundation Trust, North Thames Genomic Laboratory Hub
Classification: Pathogenic for Fetal anomalies with a likely genetic cause. Last evaluated: 2026-09-02. Review status: criteria provided, single submitter. Criteria: ACGS Best Practice Guidelines for Variant Classification in Rare Disease 2024 v1.2. Collection method: clinical testing. Allele origin: germline. Affected: yes.
Comment: PS4_moderate, PM2_moderate, PVS1_very-strong, PS2_strong

Victorian Clinical Genetics Services, Murdoch Childrens Research Institute
Classification: Pathogenic for Pyruvate dehydrogenase E1-alpha deficiency. Last evaluated: 2026-05-26. Review status: criteria provided, single submitter. Criteria: ACMG Guidelines, 2015. Collection method: clinical testing. Allele origin: germline. Affected: yes.
Comment: This variant is classified as Pathogenic. Evidence in support of pathogenic classification: Variant is predicted to result in a truncated protein (premature termination codon is NOT located at least 54 nucleotides upstream of the final exon-exon junction with less than 1/3 of the protein sequence affected). However, functional studies have shown that this variant causes a 30% reduction in detectable PDHA1 protein with no truncated protein observed. This suggests the mutant protein undergoes nonsense-mediated decay (PMID: 2378353); Variant is absent from gnomAD (v2, v3 and v4); This variant has strong previous evidence of pathogenicity in unrelated individuals. This variant has been observed in over five individuals with pyruvate dehydrogenase E1-alpha deficiency (PMIDs: 2378353, 7887409, 25356417, 27144126), and classified as pathogenic by clinical laboratories in ClinVar; Other NMD predicted variants comparable to the one identified in this case have very strong previous evidence for pathogenicity (DECIPHER). Additional information: This variant is heterozygous; This gene is associated with X-linked dominant disease. Affected males have also been reported with variants resulting in partial enzyme deficiency, however severe variants are presumed to be embryonically lethal (PMID: 22142326); Variant is predicted to truncate the annotated pyruvate dehydrogenase E1 component domain (DECIPHER); Loss of function is a known mechanism of disease in this gene and is associated with pyruvate dehydrogenase E1-alpha deficiency (MIM#312170); Variants in this gene are known to have variable expressivity. Depending on the residual enzymatic activity resulting from the PDHA1 variant, the severity of phenotypic presentation can vary. Additionally, the severity in females is dependent on X-chromosome inactivation patterns (OMIM, PMID: 22142326); Inheritance information for this variant is not currently available in this individual.

Variantyx, Inc.
Classification: Pathogenic for Pyruvate dehydrogenase E1-alpha deficiency. Last evaluated: 2025-09-09. Review status: criteria provided, single submitter. Criteria: Variantyx Assertion Criteria 2022. Collection method: clinical testing. Allele origin: maternal. Inheritance: X-linked dominant inheritance. Affected: yes.
Comment: This is a frameshift variant in the PDHA1 gene (OMIM: 300502). Pathogenic variants in this gene have been associated with X-linked pyruvate dehydrogenase E1-alpha deficiency. This variant introduces a premature termination codon in exon 10 out of 11 and is expected to result in loss of function, which is a known disease mechanism for PDHA1 in this disorder (PMID: 10679936, 21914562) (PVS1). This variant has been reported several unrelated affected individuals (PMID: 2378353, 33768920, 34863613) (PS4_Moderate) and is absent from control populations (PM2_Moderate). Based on the current evidence, this variant is classified as pathogenic for X-linked pyruvate dehydrogenase E1-alpha deficiency.

3billion
Classification: Pathogenic for Pyruvate dehydrogenase E1-alpha deficiency. Last evaluated: 2025-08-28. Review status: criteria provided, single submitter. Criteria: ACMG Guidelines, 2015. Collection method: clinical testing. Allele origin: germline. Affected: yes.
Comment: The variant is not observed in the gnomAD v4.1.0 dataset. Predicted Consequence/Location: Frameshift: predicted to result in a loss or disruption of normal protein function through nonsense-mediated decay (NMD) or protein truncation. Multiple pathogenic variants are reported downstream of the variant. The variant has been reported at least twice as pathogenic with clinical assertions and evidence for the classification (ClinVar ID: VCV000010872 /PMID: 2378353 /3billion dataset). Therefore, this variant is classified as Pathogenic according to the recommendation of ACMG/AMP guideline.

Revvity Omics, Revvity
Classification: Pathogenic for Pyruvate dehydrogenase E1-alpha deficiency. Last evaluated: 2025-07-22. Review status: criteria provided, single submitter. Criteria: ACMG Guidelines, 2015. Collection method: clinical testing. Allele origin: germline.

Laboratory of Genetics, Children's Clinical University Hospital Latvia
Classification: Pathogenic. Last evaluated: 2025-02-16. Review status: criteria provided, single submitter. Criteria: ACMG Guidelines, 2015. Collection method: clinical testing. Allele origin: germline. Affected: yes.

Labcorp Genetics (formerly Invitae), Labcorp
Classification: Pathogenic for Pyruvate dehydrogenase E1-alpha deficiency. Last evaluated: 2024-09-06. Review status: criteria provided, single submitter. Criteria: Invitae Variant Classification Sherloc (09022015). Collection method: clinical testing. Allele origin: germline.
Comment: This sequence change creates a premature translational stop signal (p.Ser312Valfs*12) in the PDHA1 gene. While this is not anticipated to result in nonsense mediated decay, it is expected to disrupt the last 79 amino acid(s) of the PDHA1 protein. This variant is not present in population databases (gnomAD no frequency). This premature translational stop signal has been observed in individual(s) with pyruvate dehydrogenase deficiency (PMID: 2378353, 8504306, 27144126). In at least one individual the variant was observed to be de novo. This variant is also known as 7-bp deletion at nucleotide 1032, 7-bp deletion at bp 927. ClinVar contains an entry for this variant (Variation ID: 10872). This variant disrupts a region of the PDHA1 protein in which other variant(s) (p.Glu358Glyfs*12) have been determined to be pathogenic (PMID: 1907799). This suggests that this is a clinically significant region of the protein, and that variants that disrupt it are likely to be disease-causing. For these reasons, this variant has been classified as Pathogenic.

Laboratorio de Genetica e Diagnostico Molecular, Hospital Israelita Albert Einstein
Classification: Pathogenic for Pyruvate dehydrogenase E1-alpha deficiency. Last evaluated: 2024-01-30. Review status: criteria provided, single submitter. Criteria: ACMG Guidelines, 2015. Collection method: clinical testing. Allele origin: germline. Affected: yes.
Comment: ACMG classification criteria: PVS1 strong, PS4 strong, PM2 supporting

Genetics and Molecular Pathology, SA Pathology
Classification: Pathogenic for Pyruvate dehydrogenase E1-alpha deficiency. Last evaluated: 2022-10-27. Review status: criteria provided, single submitter. Criteria: ACMG Guidelines, 2015. Collection method: clinical testing. Allele origin: germline. Inheritance: X-linked dominant inheritance. Affected: yes.
Comment: The PDHA1 c.934_940del variant is classified as Pathogenic (PVS1_Strong, PS4, PM2) This PDHA1 c.934_940del variant is located in exon 10/11 and is predicted to cause a shift in the reading frame at codon 312 with a termination of the protein 12 amino acids downstream. This is not expected to undergo nonsense-mediated decay however this variant disrupts the last 79 amino acids which are critical for protein function (PVS1_Strong). This variant has been reported in at least 15 probands with a clinical presentation consistent with pyruvate dehydrogenase E1-alpha deficiency and has been confirmed denovo in a number of families (PMID#30842224, 33768920, 34863613, 2378353, 8504306, 27144126) (PS4). The variant has been reported in dbSNP (rs606231185), is reported as disease causing in the HGMD database (CD900295) is reported as pathogenic by other diagnostic laboratories (ClinVar#10872) and is absent from population databases (PM2).

GeneDx
Classification: Pathogenic. Last evaluated: 2022-01-23. Review status: criteria provided, single submitter. Criteria: GeneDx Variant Classification Process June 2021. Collection method: clinical testing. Allele origin: germline. Affected: yes.
Comment: Frameshift variant in the C-terminus predicted to result in protein truncation, as the last 79 amino acids are lost and replaced with 11 incorrect amino acids; Not observed at significant frequency in large population cohorts (gnomAD); This variant is associated with the following publications: (PMID: 8962591, 2378353, 30842224, 25356417, 1301207, 8504306, 27144126, 1907799, 7887408, 33768920, 34863613)

Institute of Medical Genetics and Applied Genomics, University Hospital Tübingen
Classification: Pathogenic. Last evaluated: 2020-10-23. Review status: criteria provided, single submitter. Criteria: ACMG Guidelines, 2015. Collection method: clinical testing. Allele origin: germline. Inheritance: Unknown mechanism. Affected: yes.

Blueprint Genetics
Classification: Pathogenic for PDHA1-related disorders. Last evaluated: 2020-07-29. Review status: criteria provided, single submitter. Criteria: ACMG Guidelines, 2015. Collection method: clinical testing. Allele origin: de novo. Affected: yes. Observed: 3 variant alleles.

NM_000284.4(PDHA1):c.934_940del (p.Ser312fs)

Gene: PDHA1 (pyruvate dehydrogenase E1 subunit alpha 1; plus strand). Cytogenetic location: Xp22.12.
Variant type: Microsatellite.
Coding change: c.934_940del on transcript NM_000284.4 (MANE Select); coding-DNA positions 934 to 940, 7 bases deleted (AGTAAGA; older notation c.934_940delAGTAAGA).
Protein change: p.Ser312fs; shifts the reading frame from serine 312.
Molecular consequence: frameshift variant.
Genome position (GRCh38, 1-based): chrX:19,358,950-19,358,956, AGTAAGA deleted; deleting any 7 consecutive bases within chrX:19,358,941-19,358,956 gives the same sequence; the c. name uses the placement nearest the transcript's 3' end. VCF-style (leftmost placement, unchanged base first): chrX-19358940-GGAAGTAA-G. GRCh37 (hg19) VCF-style: chrX-19377058-GGAAGTAA-G.
Other names: c.1048_1054del, p.Ser350fs (NM_001173454.2); c.955_961del, p.Ser319fs (NM_001173455.2); c.841_847del, p.Ser281fs (NM_001173456.2); c.934_940delAGTAAGA (NM_000284.4); short protein forms S312fs, S319fs, S281fs, S350fs.
Identifiers: ClinVar variation 10872 (VCV000010872.68), dbSNP rs606231185, ClinGen allele CA121204.